The following is an entry in ClinVar:

ClinVar aggregate classification (germline): Uncertain significance (1 of 4 stars; one submission).

Submission:

Labcorp Genetics (formerly Invitae), Labcorp
Classification: Uncertain significance. Last evaluated: 2022-05-10. Review status: criteria provided, single submitter. Criteria: Invitae Variant Classification Sherloc (09022015). Collection method: clinical testing. Allele origin: germline.
Comment: In summary, the available evidence is currently insufficient to determine the role of this variant in disease. Therefore, it has been classified as a Variant of Uncertain Significance. Algorithms developed to predict the effect of sequence changes on RNA splicing suggest that this variant may disrupt the consensus splice site. This variant has not been reported in the literature in individuals affected with TGFB1-related conditions. This variant is not present in population databases (gnomAD no frequency). This sequence change affects an acceptor splice site in intron 2 of the TGFB1 gene. It is expected to disrupt RNA splicing. Variants that disrupt the donor or acceptor splice site typically lead to a loss of protein function (PMID: 16199547), however the current clinical and genetic evidence is not sufficient to establish whether loss-of-function variants in TGFB1 cause disease.

Literature cited by the submitters: PubMed 16199547.

NM_000660.7(TGFB1):c.517-2A>G

Gene: TGFB1 (transforming growth factor beta 1; minus strand). Cytogenetic location: 19q13.2.
Variant type: single nucleotide variant.
Coding change: c.517-2A>G on transcript NM_000660.7 (MANE Select); the canonical splice acceptor site of the intron before coding-DNA position 517, A replaced by G.
Molecular consequence: splice acceptor variant.
Genome position (GRCh38, 1-based): chr19:41,344,866, T>C on the plus strand (A>G on the coding strand, the complement: TGFB1 is on the minus strand). VCF-style: chr19-41344866-T-C. GRCh37 (hg19) VCF-style: chr19-41850771-T-C.
Identifiers: ClinVar variation 2116453 (VCV002116453.4), dbSNP rs2513384321, ClinGen allele CA406003272.
Genomic context (GRCh38, chr19:41,344,866, plus strand): 5'-GAGTCGCTGGGTGCCAGCAGCCGGTTGCTGAGGTATCGCCAGGAATTGTTGCTGTATTTC[T>C]AGAGGATGATGAAGGCAGGAGAGAGACAGTGGGTAGATGGTGTCACGACCCCACATACAC-3'